The following is an entry in ClinVar:

NM_194449.4(PHLPP1):c.93A>T (p.Ala31=)

Gene: PHLPP1 (PH domain and leucine rich repeat protein phosphatase 1; plus strand). Cytogenetic location: 18q21.33.
Variant type: single nucleotide variant.
Coding change: c.93A>T on transcript NM_194449.4 (MANE Select); coding-DNA position 93, A replaced by T.
Protein change: p.Ala31=; no amino-acid change (alanine 31 retained).
Molecular consequence: synonymous variant.
Genome position (GRCh38, 1-based): chr18:62,715,776, A>T. VCF-style: chr18-62715776-A-T. GRCh37 (hg19) VCF-style: chr18-60383009-A-T.
Identifiers: ClinVar variation 2648785 (VCV002648785.24), dbSNP rs2511769017, ClinGen allele CA504306149.

ClinVar aggregate classification (germline): Likely benign (1 of 4 stars; one submission).

Submission:

CeGaT Center for Human Genetics Tuebingen
Classification: Likely benign. Last evaluated: 2023-03-01. Review status: criteria provided, single submitter. Criteria: CeGaT Center For Human Genetics Tuebingen Variant Classification Criteria Version 2. Collection method: clinical testing. Allele origin: germline. Affected: yes. Observed: 1 variant allele.
Comment: PHLPP1: PM2:Supporting, BP4, BP7